The following is an entry in ClinVar:

NM_005502.4(ABCA1):c.4101C>T (p.Ile1367=)

Genes: ABCA1 (ATP binding cassette subfamily A member 1; minus strand), LOC121331340 (Sharpr-MPRA regulatory region 1797; plus strand). Cytogenetic location: 9q31.1.
Variant type: single nucleotide variant.
Coding change: c.4101C>T on transcript NM_005502.4 (MANE Select); coding-DNA position 4101, C replaced by T.
Protein change: p.Ile1367=; no amino-acid change (isoleucine 1367 retained).
Molecular consequence: synonymous variant.
Genome position (GRCh38, 1-based): chr9:104,810,874, G>A on the plus strand (C>T on the coding strand, the complement: ABCA1 is on the minus strand). VCF-style: chr9-104810874-G-A. GRCh37 (hg19) VCF-style: chr9-107573155-G-A.
Identifiers: ClinVar variation 4872315 (VCV004872315.2).

ClinVar aggregate classification (germline): Likely benign (1 of 4 stars; one submission).

gnomAD v4.1: 18 of 1,614,090 alleles (0.0011%); highest among the groups gnomAD compares: South Asian, 0.0055%; no homozygotes.

Submission:

CeGaT Center for Human Genetics Tuebingen
Classification: Likely benign. Last evaluated: 2026-06-01. Review status: criteria provided, single submitter. Criteria: CeGaT Center For Human Genetics Tuebingen Variant Classification Criteria Version 2. Collection method: clinical testing. Allele origin: germline. Affected: yes. Observed: 1 variant allele.
Comment: ABCA1: BP4, BP7